The following is an entry in ClinVar:

NM_174878.3(CLRN1):c.8G>A (p.Ser3Asn)

Genes: CLRN1 (clarin 1; minus strand), CLRN1-AS1 (CLRN1 antisense RNA 1; plus strand). Cytogenetic location: 3q25.1.
Variant type: single nucleotide variant.
Coding change: c.8G>A on transcript NM_174878.3 (MANE Select); coding-DNA position 8, G replaced by A.
Protein change: p.Ser3Asn; replaces serine 3 with asparagine.
Molecular consequence: missense variant. On other transcripts: non-coding transcript variant (2).
Genome position (GRCh38, 1-based): chr3:150,972,701, C>T on the plus strand (G>A on the coding strand, the complement: CLRN1 is on the minus strand). VCF-style: chr3-150972701-C-T. GRCh37 (hg19) VCF-style: chr3-150690488-C-T.
Other names: c.8G>A, p.Ser3Asn (NM_001195794.1, NM_001256819.2); short protein forms S3N.
Identifiers: ClinVar variation 1439542 (VCV001439542.6), dbSNP rs192144609, ClinGen allele CA2666227.

ClinVar aggregate classification (germline): Uncertain significance (1 of 4 stars; one submission).

Allele frequency attached by ClinVar (database versions not stated): gnomAD exomes 0.00001 and 0.00002; TOPMed 0.00001; ExAC 0.00002; gnomAD 0.00002 and 0.00003; 1000 Genomes Project 30x 0.00016; 1000 Genomes Project 0.00020.
gnomAD v4.1: 34 of 1,614,210 alleles (0.0021%); highest among the groups gnomAD compares: Non-Finnish European, 0.0028%; no homozygotes.

Submission:

Labcorp Genetics (formerly Invitae), Labcorp
Classification: Uncertain significance. Last evaluated: 2022-03-17. Review status: criteria provided, single submitter. Criteria: Invitae Variant Classification Sherloc (09022015). Collection method: clinical testing. Allele origin: germline.
Comment: This sequence change replaces serine, which is neutral and polar, with asparagine, which is neutral and polar, at codon 3 of the CLRN1 protein (p.Ser3Asn). This variant is present in population databases (rs192144609, gnomAD 0.002%). This variant has not been reported in the literature in individuals affected with CLRN1-related conditions. Algorithms developed to predict the effect of missense changes on protein structure and function output the following: SIFT: "Tolerated"; PolyPhen-2: "Benign"; Align-GVGD: "Class C0". The asparagine amino acid residue is found in multiple mammalian species, which suggests that this missense change does not adversely affect protein function. In summary, the available evidence is currently insufficient to determine the role of this variant in disease. Therefore, it has been classified as a Variant of Uncertain Significance.